The following is an entry in ClinVar:

NM_013247.4(HTRA2):c.-363G>A

Genes: AUP1 (AUP1 lipid droplet regulating VLDL assembly factor; minus strand), HTRA2 (HtrA serine peptidase 2; plus strand). Cytogenetic location: 2p13.1.
Variant type: single nucleotide variant.
Coding change: c.-363G>A on transcript NM_013247.4; 363 bases upstream of the start codon, G replaced by A.
Molecular consequence: 5 prime UTR variant (on NM_181575.5). On other transcripts: non-coding transcript variant (6).
Genome position (GRCh38, 1-based): chr2:74,529,644, G>A. VCF-style: chr2-74529644-G-A. GRCh37 (hg19) VCF-style: chr2-74756771-G-A.
Other names: c.-363G>A (NM_001321727.1, NM_001321728.1, NM_145074.2); c.-15C>T (NM_181575.5).
Identifiers: ClinVar variation 337119 (VCV000337119.7), dbSNP rs371791263, ClinGen allele CA1728236.

ClinVar aggregate classification (germline): Likely benign (1 of 4 stars; one submission).

Conditions:
Parkinson disease 13, autosomal dominant, susceptibility to. Identifiers: Orphanet 2828, MedGen C1853202, MONDO:0012466, OMIM 610297.

Allele frequency attached by ClinVar (database versions not stated): gnomAD 0.00027 and 0.00031; gnomAD exomes 0.00020 and 0.00046; TOPMed 0.00031; ExAC 0.00098; ESP Exome Variant Server 0.00009.
gnomAD v4.1: 354 of 1,554,500 alleles (0.023%); highest among the groups gnomAD compares: Middle Eastern, 0.088%; 2 homozygotes.

Submission:

Illumina Laboratory Services, Illumina
Classification: Likely benign for Parkinson disease 13, autosomal dominant, susceptibility to. Last evaluated: 2018-01-12. Review status: criteria provided, single submitter. Criteria: ICSL Variant Classification Criteria 13 December 2019. Collection method: clinical testing. Allele origin: germline.
Comment: This variant was observed in the ICSL laboratory as part of a predisposition screen in an ostensibly healthy population. It had not been previously curated by ICSL or reported in the Human Gene Mutation Database (HGMD: prior to June 1st, 2018), and was therefore a candidate for classification through an automated scoring system. Utilizing variant allele frequency, disease prevalence and penetrance estimates, and inheritance mode, an automated score was calculated to assess if this variant is too frequent to cause the disease. Based on the score and internal cut-off values, a variant classified as likely benign is not then subjected to further curation. The score for this variant resulted in a classification of likely benign for this disease.